The following is an entry in ClinVar:

ClinVar aggregate classification (germline): Uncertain significance. Review status: reviewed by expert panel (3 of 4 stars). 6 submissions from 6 submitters: Uncertain significance (1). 5 of the submissions do not count toward it. Last evaluated 2026-04-07.

Conditions:
VWF-related disorder. Also called: VWF-related condition; VWF-related disorders.
von Willebrand disease type 1 (VWD1). Also called: VON WILLEBRAND DISEASE, TYPE I; VWD, TYPE 1. Identifiers: Orphanet 166078, Orphanet 903, MedGen C1264039, MONDO:0008668, OMIM 193400. Inheritance: autosomal recessive or autosomal dominant.
von Willebrand disease type 2 (VWD2). Also called: VON WILLEBRAND DISEASE, TYPE 2A/IIE; VON WILLEBRAND DISEASE, TYPE 2CB; VON WILLEBRAND DISEASE, TYPE II; VWD, TYPE 2. Identifiers: Orphanet 166081, Orphanet 903, MedGen C1264040, MONDO:0013304, OMIM 613554.

gnomAD v4.1: 422 of 1,613,726 alleles (0.026%); highest among the groups gnomAD compares: Non-Finnish European, 0.032%; no homozygotes.

Submissions (6):

ClinGen von Willebrand Disease Variant Curation Expert Panel, ClinGen
Classification: Uncertain significance for von Willebrand disease type 2. Last evaluated: 2026-04-07. Review status: reviewed by expert panel. Criteria: ClinGen VWD 2A B M Rules. Collection method: curation. Allele origin: germline.
Comment: The NM_000552.5:c.3749C>G (p.Ala1250Gly) variant in VWF is a missense variant predicted to cause substitution of alanine by glycine at amino acid 1250. The computational predictor REVEL gives a score of 0.0180, which is below the ClinGen VWD VCEP threshold of <0.290 and does not predict a damaging effect on VWF function (BP4). Additionally, the computational splicing predictor SpliceAI indicated that the variant has no impact on splicing. The Grpmax filtering allele frequency in gnomAD v4.1 is 0.0002892 (based on 373/1179844 alleles in the European non-Finnish population). This intermediate allele frequency is lower than the ClinGen VWD VCEP threshold (>0.01) for BS1 but higher than the threshold (<0.005 for type 2N and <0.0001 for type 2A/B/M) for PM2_Supporting. This variant has been listed in association with low VWF and a VWF:GPIbM/VWF:Ag ratio ≥0.7 (PMID: 40279514); however, this finding does not meet ClinGen VWD VCEP criteria for phenotype evidence. In summary, this variant is classified as uncertain significance for type 2 VWD based on the ACMG/AMP criteria applied, as specified by the ClinGen VWD VCEP: BP4 (Version : 1.0.0, 7/9/2024).

CeGaT Center for Human Genetics Tuebingen
Classification: Uncertain significance. Last evaluated: 2026-02-01. Review status: criteria provided, single submitter. Criteria: CeGaT Center For Human Genetics Tuebingen Variant Classification Criteria Version 2. Collection method: clinical testing. Allele origin: germline. Affected: yes. Observed: 1 variant allele. Not counted in ClinVar's aggregate classification.
Comment: VWF: PM2, BP4

Women's Health and Genetics/Laboratory Corporation of America, LabCorp
Classification: Uncertain significance. Last evaluated: 2023-09-15. Review status: criteria provided, single submitter. Criteria: LabCorp Variant Classification Summary - May 2015. Collection method: clinical testing. Allele origin: germline. Not counted in ClinVar's aggregate classification.
Comment: Variant summary: VWF c.3749C>G (p.Ala1250Gly) results in a non-conservative amino acid change located in the von Willebrand factor, VWA N-terminal domain of the encoded protein sequence. Four of five in-silico tools predict a benign effect of the variant on protein function. The variant allele was found at a frequency of 7.3e-05 in 246456 control chromosomes, found exclusively within the Non-Finnish European subpopulation at a frequency of 0.00016 in the gnomAD database. To our knowledge, no occurrence of c.3749C>G in individuals affected with Von Willebrand Disease and no experimental evidence demonstrating its impact on protein function have been reported. No submitters have cited clinical-significance assessments for this variant to ClinVar after 2014. Based on the evidence outlined above, the variant was classified as uncertain significance.

Genetics and Molecular Pathology, SA Pathology
Classification: Uncertain significance for von Willebrand disease type 2. Last evaluated: 2022-09-13. Review status: criteria provided, single submitter. Criteria: ACMG Guidelines, 2015. Collection method: clinical testing. Allele origin: germline. Affected: yes. Not counted in ClinVar's aggregate classification.
Comment: The VWF c.3749C>G variant is classified as VUS (PM2, BP4) The VWF c.3749C>G variant is a single nucleotide change in exon 28/52 of the VWF gene, which is predicted to change the amino acid alanine at position 1250 in the protein to glycine. The variant is rare in population databases (gnomAD allele frequency = 0.015%; 24 het and 0 hom in 152124 sequenced alleles; highest frequency = 0.032%, Non-Finnish European population) (PM2). Multiple lines of computational evidence suggest this variant has no impact on the gene or gene product (BP4). The variant has been reported in dbSNP (rs144691240) and in the HGMD database: CM195477. It has not been reported in ClinVar.

PreventionGenetics, part of Exact Sciences
Classification: Uncertain significance for VWF-related condition. Last evaluated: 2024-05-18. Review status: no assertion criteria provided. Collection method: clinical testing. Allele origin: germline. Not counted in ClinVar's aggregate classification.
Comment: The VWF c.3749C>G variant is predicted to result in the amino acid substitution p.Ala1250Gly. To our knowledge, this variant has not been reported in the literature. This variant is reported in 0.021% of alleles in individuals of European (Non-Finnish) descent in gnomAD. At this time, the clinical significance of this variant is uncertain due to the absence of conclusive functional and genetic evidence.

Zotz-Klimas Genetics Lab, MVZ Zotz Klimas
Classification: Uncertain significance for von Willebrand disease type 1. Last evaluated: 2023-11-02. Review status: no assertion criteria provided. Collection method: clinical testing. Allele origin: germline. Affected: yes. Not counted in ClinVar's aggregate classification.

NM_000552.5(VWF):c.3749C>G (p.Ala1250Gly)

Gene: VWF (von Willebrand factor; minus strand). Cytogenetic location: 12p13.31.
Variant type: single nucleotide variant.
Coding change: c.3749C>G on transcript NM_000552.5 (MANE Select); coding-DNA position 3749, C replaced by G.
Protein change: p.Ala1250Gly; replaces alanine 1250 with glycine.
Molecular consequence: missense variant.
Genome position (GRCh38, 1-based): chr12:6,019,669, G>C on the plus strand (C>G on the coding strand, the complement: VWF is on the minus strand). VCF-style: chr12-6019669-G-C. GRCh37 (hg19) VCF-style: chr12-6128835-G-C.
Other names: NM_000552.5(VWF):c.3749C>G; p.Ala1250Gly; short protein forms A1250G.
Identifiers: ClinVar variation 2627239 (VCV002627239.9), dbSNP rs144691240, ClinGen allele CA6402681.